The following is an entry in ClinVar:

ClinVar aggregate classification (germline): Likely benign (1 of 4 stars; one submission).

Submission:

CeGaT Center for Human Genetics Tuebingen
Classification: Likely benign. Last evaluated: 2026-04-01. Review status: criteria provided, single submitter. Criteria: CeGaT Center For Human Genetics Tuebingen Variant Classification Criteria Version 2. Collection method: clinical testing. Allele origin: germline. Affected: yes. Observed: 1 variant allele.
Comment: OAS1: PM2:Supporting, BP4, BP7

NM_016816.4(OAS1):c.1039-778C>A

Gene: OAS1 (2'-5'-oligoadenylate synthetase 1; plus strand). Cytogenetic location: 12q24.13.
Variant type: single nucleotide variant.
Coding change: c.1039-778C>A on transcript NM_016816.4 (MANE Select); 778 bases into the intron before coding-DNA position 1039, C replaced by A.
Molecular consequence: intron variant. On other transcripts: synonymous variant (3), 3 prime UTR variant (2), non-coding transcript variant (4).
Genome position (GRCh38, 1-based): chr12:112,918,611, C>A. VCF-style: chr12-112918611-C-A. GRCh37 (hg19) VCF-style: chr12-113356416-C-A.
Other names: c.1053C>A, p.Leu351= (NM_001406022.1); c.1029C>A, p.Leu343= (NM_001406023.1); c.*854C>A (NM_001406024.1, NM_001406030.1); c.579C>A, p.Leu193= (NM_001406029.1); c.1038+911C>A (NM_001320151.2); c.1014+911C>A (NM_001406025.1); c.1039-876C>A (NM_001032409.3); c.1015-778C>A (NM_001406021.1); and 3 more.
Identifiers: ClinVar variation 4872562 (VCV004872562.2).
Genomic context (GRCh38, chr12:112,918,611, plus strand): 5'-TTGAAAAGTCCCATGAGGCATGTTTTCTATCATTCCCATCTTACAGATGAGACAAAGGCT[C>A]AGAGAGGTGAGGTCACTTGCTCAAGGACATCAGCTAACAAGTGGTGGAAATGGAATTCAA-3'